The following is an entry in ClinVar:

ClinVar aggregate classification (germline): Uncertain significance (1 of 4 stars; one submission).

Submission:

Labcorp Genetics (formerly Invitae), Labcorp
Classification: Uncertain significance. Last evaluated: 2025-02-13. Review status: criteria provided, single submitter. Criteria: Invitae Variant Classification Sherloc (09022015). Collection method: clinical testing. Allele origin: germline.
Comment: This sequence change replaces arginine, which is basic and polar, with proline, which is neutral and non-polar, at codon 337 of the KLHL9 protein (p.Arg337Pro). This variant is not present in population databases (gnomAD no frequency). This variant has not been reported in the literature in individuals affected with KLHL9-related conditions. Invitae Evidence Modeling of protein sequence and biophysical properties (such as structural, functional, and spatial information, amino acid conservation, physicochemical variation, residue mobility, and thermodynamic stability) indicates that this missense variant is expected to disrupt KLHL9 protein function with a positive predictive value of 80%. In summary, the available evidence is currently insufficient to determine the role of this variant in disease. Therefore, it has been classified as a Variant of Uncertain Significance.

NM_018847.4(KLHL9):c.1010G>C (p.Arg337Pro)

Gene: KLHL9 (kelch like family member 9; minus strand). Cytogenetic location: 9p21.3.
Variant type: single nucleotide variant.
Coding change: c.1010G>C on transcript NM_018847.4 (MANE Select); coding-DNA position 1010, G replaced by C.
Protein change: p.Arg337Pro; replaces arginine 337 with proline.
Molecular consequence: missense variant.
Genome position (GRCh38, 1-based): chr9:21,333,850, C>G on the plus strand (G>C on the coding strand, the complement: KLHL9 is on the minus strand). VCF-style: chr9-21333850-C-G. GRCh37 (hg19) VCF-style: chr9-21333849-C-G.
Other names: short protein forms R337P.
Identifiers: ClinVar variation 4740640 (VCV004740640.1).